The following is an entry in ClinVar:

NM_015909.4(NBAS):c.6062T>A (p.Leu2021Gln)

Gene: NBAS (NBAS subunit of NRZ tethering complex; minus strand). Cytogenetic location: 2p24.3.
Variant type: single nucleotide variant.
Coding change: c.6062T>A on transcript NM_015909.4 (MANE Select); coding-DNA position 6062, T replaced by A.
Protein change: p.Leu2021Gln; replaces leucine 2021 with glutamine.
Molecular consequence: missense variant. On other transcripts: non-coding transcript variant (1).
Genome position (GRCh38, 1-based): chr2:15,234,629, A>T on the plus strand (T>A on the coding strand, the complement: NBAS is on the minus strand). VCF-style: chr2-15234629-A-T. GRCh37 (hg19) VCF-style: chr2-15374753-A-T.
Other names: short protein forms L2021Q.
Identifiers: ClinVar variation 1367618 (VCV001367618.8), dbSNP rs1350354104, ClinGen allele CA345888550.

ClinVar aggregate classification (germline): Uncertain significance (1 of 4 stars; one submission).

Allele frequency attached by ClinVar (database versions not stated): gnomAD exomes below 0.00001; gnomAD 0.00001; TOPMed 0.00001.
gnomAD v4.1: 3 of 1,614,062 alleles (0.00019%); highest among the groups gnomAD compares: Non-Finnish European, 0.00025%; no homozygotes.

Submission:

Labcorp Genetics (formerly Invitae), Labcorp
Classification: Uncertain significance. Last evaluated: 2020-11-14. Review status: criteria provided, single submitter. Criteria: Invitae Variant Classification Sherloc (09022015). Collection method: clinical testing. Allele origin: germline.
Comment: In summary, the available evidence is currently insufficient to determine the role of this variant in disease. Therefore, it has been classified as a Variant of Uncertain Significance. Algorithms developed to predict the effect of missense changes on protein structure and function (SIFT, PolyPhen-2, Align-GVGD) all suggest that this variant is likely to be disruptive, but these predictions have not been confirmed by published functional studies and their clinical significance is uncertain. This variant has not been reported in the literature in individuals with NBAS-related conditions. This variant is not present in population databases (ExAC no frequency). This sequence change replaces leucine with glutamine at codon 2021 of the NBAS protein (p.Leu2021Gln). The leucine residue is highly conserved and there is a moderate physicochemical difference between leucine and glutamine.